The following is an entry in ClinVar:

NM_007294.4(BRCA1):c.1333del (p.Glu445fs)

Gene: BRCA1 (BRCA1 DNA repair associated; minus strand). Cytogenetic location: 17q21.31.
Variant type: Deletion.
Coding change: c.1333del on transcript NM_007294.4 (MANE Select); coding-DNA position 1333, one base deleted (G; older notation c.1333delG).
Protein change: p.Glu445fs; shifts the reading frame from glutamic acid 445.
Molecular consequence: frameshift variant. On other transcripts: intron variant (137).
Genome position (GRCh38, 1-based): chr17:43,094,198, C deleted on the plus strand (G on the coding strand, the reverse complement: BRCA1 is on the minus strand). VCF-style (leftmost placement, unchanged base first): chr17-43094197-TC-T. GRCh37 (hg19) VCF-style: chr17-41246214-TC-T.
Other names: 1452delG; c.1120del, p.Glu374fs (NM_001407571.1, NM_001407853.1, NM_001407894.1 and 9 more transcripts); c.1333del, p.Glu445fs (NM_001407581.1, NM_001407582.1, NM_001407583.1 and 30 more transcripts); c.1330del, p.Glu444fs (NM_001407587.1, NM_001407590.1, NM_001407591.1 and 22 more transcripts); c.1324del, p.Glu442fs (NM_001407646.1, NM_001407647.1); c.1210del, p.Glu404fs (NM_001407648.1, NM_001407664.1, NM_001407665.1 and 19 more transcripts); c.1207del, p.Glu403fs (NM_001407649.1, NM_001407670.1, NM_001407671.1 and 11 more transcripts); c.1255del, p.Glu419fs (NM_001407653.1, NM_001407654.1, NM_001407655.1 and 4 more transcripts); and 42 more; short protein forms E398fs, E445fs, E149fs, E317fs, E334fs, E377fs, E418fs, E442fs.
Identifiers: ClinVar variation 266157 (VCV000266157.6), dbSNP rs886039943, ClinGen allele CA10589948.
Genomic context (GRCh38, chr17:43,094,197, plus strand): 5'-TAGGTTTTCCCAAATATTTTGTCTTCAATATTACTCTCTACTGATTTGGAGTGAACTCTT[TC>T]ACTTTTACATATTAAAGCCTCATGAGGATCACTGGCCAGTAAGTCTATTTTCTCTGAAGA-3'

ClinVar aggregate classification (germline): Pathogenic. Review status: reviewed by expert panel (3 of 4 stars). 2 submissions from 2 submitters: Pathogenic (1). 1 of the submissions does not count toward it. Last evaluated 2016-10-18.

Conditions:
Breast-ovarian cancer, familial, susceptibility to, 1 (BROVCA1). Also called: BRCA1 Hereditary Breast and Ovarian Cancer; OVARIAN CANCER, SUSCEPTIBILITY TO. Identifiers: Orphanet 145, MedGen C2676676, MONDO:0011450, OMIM 604370. Disease mechanism: loss of function.

Submissions (2):

Evidence-based Network for the Interpretation of Germline Mutant Alleles (ENIGMA)
Classification: Pathogenic for Breast-ovarian cancer, familial, susceptibility to, 1. Last evaluated: 2016-10-18. Review status: reviewed by expert panel. Criteria: ENIGMA BRCA1/2 Classification Criteria (2015). Collection method: curation. Allele origin: germline.
Comment: Variant allele predicted to encode a truncated non-functional protein.

Consortium of Investigators of Modifiers of BRCA1/2 (CIMBA), c/o University of Cambridge
Classification: Pathogenic for Breast-ovarian cancer, familial, susceptibility to, 1. Last evaluated: 2015-10-02. Review status: criteria provided, single submitter. Criteria: CIMBA Mutation Classification guidelines May 2016. Collection method: clinical testing. Allele origin: germline. Not counted in ClinVar's aggregate classification.